The following is an entry in ClinVar:

NM_003072.5(SMARCA4):c.4442_4446del (p.Leu1481fs)

Gene: SMARCA4 (SWI/SNF related BAF chromatin remodeling complex subunit ATPase 4; plus strand). Cytogenetic location: 19p13.2.
Variant type: Microsatellite.
Coding change: c.4442_4446del on transcript NM_003072.5 (MANE Select); coding-DNA positions 4442 to 4446, 5 bases deleted (TCAGC; older notation c.4442_4446delTCAGC).
Protein change: p.Leu1481fs; shifts the reading frame from leucine 1481.
Molecular consequence: frameshift variant. On other transcripts: non-coding transcript variant (1).
Genome position (GRCh38, 1-based): chr19:11,058,272-11,058,276, TCAGC deleted; deleting any 5 consecutive bases within chr19:11,058,267-11,058,276 gives the same sequence; the c. name uses the placement nearest the transcript's 3' end. VCF-style (leftmost placement, unchanged base first): chr19-11058266-GTCAGC-G. GRCh37 (hg19) VCF-style: chr19-11168942-GTCAGC-G.
Other names: c.4442_4446del, p.Leu1481fs (NM_001128844.3); c.4352_4356del, p.Leu1451fs (NM_001128845.2); c.4349_4353del, p.Leu1450fs (NM_001128846.2); c.4343_4347del, p.Leu1448fs (NM_001128847.4, NM_001374457.1); c.4340_4344del, p.Leu1447fs (NM_001128848.2); c.4538_4542del, p.Leu1513fs (NM_001128849.3, NM_001387283.1); c.4439_4443del, p.Leu1480fs (NM_001411150.1); short protein forms L1447fs, L1450fs, L1480fs, L1481fs, L1513fs, L1448fs, L1451fs.
Identifiers: ClinVar variation 4170173 (VCV004170173.2).
Genomic context (GRCh38, chr19:11,058,266, plus strand): 5'-TCCCGGGTGGGCGGACTCGGGGGTGATAGCCGCCGGTTCTGCCTTGCAGCAGCAGTGGAC[GTCAGC>G]TCAGCGAGGTCTTCATCCAGCTGCCCTCGCGAAAGGAGCTGCCCGAGTACTACGAGCTCA-3'

ClinVar aggregate classification (germline): Pathogenic. Review status: criteria provided, multiple submitters, no conflicts (2 of 4 stars). 2 submissions from 2 submitters: Pathogenic (2). Last evaluated 2026-06-09.

Conditions:
Rhabdoid tumor predisposition syndrome 2 (RTPS2). Identifiers: Orphanet 231108, Orphanet 69077, MedGen C2750074, MONDO:0013224, OMIM 613325.
Hereditary cancer-predisposing syndrome. Also called: Tumor predisposition; Hereditary Cancer Syndrome; Hereditary neoplastic syndrome; Neoplastic Syndromes, Hereditary. Identifiers: Orphanet 140162, MedGen C0027672, MeSH D009386, MONDO:0015356.

Submissions (2):

Myriad Genetics, Inc.
Classification: Pathogenic for Rhabdoid tumor predisposition syndrome 2. Last evaluated: 2026-06-09. Review status: criteria provided, single submitter. Criteria: Myriad Autosomal Dominant, Autosomal Recessive and X-Linked Classification Criteria (2023). Collection method: clinical testing. Allele origin: unknown.
Comment: This variant is considered pathogenic. This variant creates a frameshift predicted to result in premature protein truncation.

Ambry Genetics
Classification: Pathogenic for Hereditary cancer-predisposing syndrome. Last evaluated: 2025-08-21. Review status: criteria provided, single submitter. Criteria: Ambry Variant Classification Scheme 2023. Collection method: clinical testing. Allele origin: germline.
Comment: The c.4538_4542delTCAGC pathogenic mutation, located in coding exon 31 of the SMARCA4 gene, results from a deletion of 5 nucleotides at nucleotide positions 4538 to 4542, causing a translational frameshift with a predicted alternate stop codon (p.L1513Rfs*66). This variant is considered to be rare based on population cohorts in the Genome Aggregation Database (gnomAD). This alteration is expected to result in loss of function by premature protein truncation or nonsense-mediated mRNA decay. Loss-of-function variants in SMARCA4 are known to cause rhabdoid tumor predisposition syndrome including small cell carcinoma of the ovary-hypercalcemic type (SCCOHT); however, such associations with neurodevelopmental disorders are exceedingly rare (Kosho T et al. Am J Med Genet C Semin Med Genet. 2014 Sep;166C(3):262-75; Jelinic P et al. Nat Genet. 2014 May;46(5):424-6). Based on the supporting evidence, this alteration is pathogenic for rhabdoid tumor predisposition syndrome; however, the association of this alteration with Coffin-Siris syndrome is unlikely.